The following is an entry in ClinVar:

ClinVar aggregate classification (germline): Uncertain significance (1 of 4 stars; one submission).

gnomAD v4.1: 6 of 1,574,052 alleles (0.00038%); highest among the groups gnomAD compares: Non-Finnish European, 0.00043%; no homozygotes.

Submission:

Athena Diagnostics
Classification: Uncertain significance. Last evaluated: 2024-06-24. Review status: criteria provided, single submitter. Criteria: Athena Diagnostics Criteria. Collection method: clinical testing. Allele origin: unknown.
Comment: Available data are insufficient to determine the clinical significance of the variant at this time. The frequency of this variant in the general population is uninformative in assessment of its pathogenicity. Polyphen and MutationTaster predict this amino acid change may be benign.

NM_201378.4(PLEC):c.71-11626G>T

Gene: PLEC (plectin; minus strand). Cytogenetic location: 8q24.3.
Variant type: single nucleotide variant.
Coding change: c.71-11626G>T on transcript NM_201378.4 (MANE Plus Clinical); 11626 bases into the intron before coding-DNA position 71, G replaced by T.
Molecular consequence: intron variant. On other transcripts: missense variant (1).
Genome position (GRCh38, 1-based): chr8:143,950,318, C>A on the plus strand (G>T on the coding strand, the complement: PLEC is on the minus strand). VCF-style: chr8-143950318-C-A. GRCh37 (hg19) VCF-style: chr8-145024486-C-A.
Other names: c.389G>T, p.Gly130Val (NM_201380.4); c.194-11626G>T (NM_001410941.1, NM_000445.5); c.46+3408G>T (NM_201379.3); short protein forms G130V.
Identifiers: ClinVar variation 3571835 (VCV003571835.1).